The following is an entry in ClinVar:

ClinVar aggregate classification (germline): Uncertain significance (1 of 4 stars; one submission).

Submission:

GeneDx
Classification: Uncertain significance. Last evaluated: 2025-08-07. Review status: criteria provided, single submitter. Criteria: GeneDx Variant Classification Process June 2021. Collection method: clinical testing. Allele origin: germline. Affected: yes.
Comment: Has not been previously published as pathogenic or benign to our knowledge; Not observed at significant frequency in large population cohorts (gnomAD); In silico analysis suggests that this missense variant does not alter protein structure/function

NM_001256071.3(RNF213):c.3499G>A (p.Val1167Met)

Gene: RNF213 (ring finger protein 213; plus strand). Cytogenetic location: 17q25.3.
Variant type: single nucleotide variant.
Coding change: c.3499G>A on transcript NM_001256071.3 (MANE Select); coding-DNA position 3499, G replaced by A.
Protein change: p.Val1167Met; replaces valine 1167 with methionine.
Molecular consequence: missense variant.
Genome position (GRCh38, 1-based): chr17:80,328,459, G>A. VCF-style: chr17-80328459-G-A. GRCh37 (hg19) VCF-style: chr17-78302259-G-A.
Other names: c.3646G>A, p.Val1216Met (NM_001410195.1, NM_020914.5); short protein forms V1167M, V1216M.
Identifiers: ClinVar variation 3901470 (VCV003901470.2).
Genomic context (GRCh38, chr17:80,328,459, plus strand): 5'-CTGTTACTTCTAAAGAAAGAGAAAAGATGTGTTGATAGTCTCCTGAAGATGTGTGGGAAC[G>A]TGAAACATCTGATACAAGGTGGTATTCCTGAGAAGTGAACAAAGTTGAGGGCTCTCAAAG-3'
Protein context (NP_001243000.2, residues 1157-1177): VDSLLKMCGN[Val1167Met]KHLIQVDFGV